The following is an entry in ClinVar:

ClinVar aggregate classification (germline): Uncertain significance (1 of 4 stars; one submission).

Conditions:
Hereditary cancer-predisposing syndrome. Also called: Neoplastic Syndromes, Hereditary; Tumor predisposition; Hereditary Cancer Syndrome; Hereditary neoplastic syndrome. Identifiers: Orphanet 140162, MedGen C0027672, MeSH D009386, MONDO:0015356.

Submission:

Ambry Genetics
Classification: Uncertain significance for Hereditary cancer-predisposing syndrome. Last evaluated: 2026-03-22. Review status: criteria provided, single submitter. Criteria: Ambry Variant Classification Scheme 2023. Collection method: clinical testing. Allele origin: germline.
Comment: The p.D319V variant (also known as c.956A>T), located in coding exon 8 of the MRE11A gene, results from an A to T substitution at nucleotide position 956. The aspartic acid at codon 319 is replaced by valine, an amino acid with highly dissimilar properties. This amino acid position is conserved. In addition, the in silico prediction for this alteration is inconclusive. Based on the available evidence, the clinical significance of this variant remains unclear.

NM_005591.4(MRE11):c.956A>T (p.Asp319Val)

Gene: MRE11 (MRE11 double strand break repair nuclease; minus strand). Cytogenetic location: 11q21.
Variant type: single nucleotide variant.
Coding change: c.956A>T on transcript NM_005591.4 (MANE Select); coding-DNA position 956, A replaced by T.
Protein change: p.Asp319Val; replaces aspartic acid 319 with valine.
Molecular consequence: missense variant.
Genome position (GRCh38, 1-based): chr11:94,470,532, T>A on the plus strand (A>T on the coding strand, the complement: MRE11 is on the minus strand). VCF-style: chr11-94470532-T-A. GRCh37 (hg19) VCF-style: chr11-94203698-T-A.
Other names: c.881A>T, p.Asp294Val (NM_001440479.1, NM_001440472.1, NM_001440471.1); c.956A>T, p.Asp319Val (NM_001440480.1, NM_001440481.1, NM_005590.4 and 18 more transcripts); c.611A>T, p.Asp204Val (NM_001440482.1, NM_001440483.1, NM_001440484.1); c.488A>T, p.Asp163Val (NM_001440485.1, NM_001440486.1, NM_001440487.1); short protein forms D163V, D204V, D294V, D319V.
Identifiers: ClinVar variation 4860268 (VCV004860268.1).